The following is an entry in ClinVar:

NM_177438.3(DICER1):c.3364T>C (p.Cys1122Arg)

Gene: DICER1 (dicer 1, ribonuclease III; minus strand). Cytogenetic location: 14q32.13.
Variant type: single nucleotide variant.
Coding change: c.3364T>C on transcript NM_177438.3 (MANE Select); coding-DNA position 3364, T replaced by C.
Protein change: p.Cys1122Arg; replaces cysteine 1122 with arginine.
Molecular consequence: missense variant.
Genome position (GRCh38, 1-based): chr14:95,104,032, A>G on the plus strand (T>C on the coding strand, the complement: DICER1 is on the minus strand). VCF-style: chr14-95104032-A-G. GRCh37 (hg19) VCF-style: chr14-95570369-A-G.
Other names: c.3364T>C, p.Cys1122Arg (NM_001195573.1, NM_001271282.3, NM_001291628.2 and 1 more transcripts); short protein forms C1122R.
Identifiers: ClinVar variation 477137 (VCV000477137.12), dbSNP rs1555369696, ClinGen allele CA390875737.

ClinVar aggregate classification (germline): Uncertain significance. Review status: criteria provided, multiple submitters, no conflicts (2 of 4 stars). 3 submissions from 3 submitters: Uncertain significance (3). Last evaluated 2024-06-25.

Conditions:
DICER1-related tumor predisposition. Also called: DICER1-related pleuropulmonary blastoma cancer predisposition syndrome; DICER1 syndrome. Identifiers: Orphanet 284343, MedGen C3839822, MONDO:0100216.
Hereditary cancer-predisposing syndrome. Also called: Tumor predisposition; Neoplastic Syndromes, Hereditary; Hereditary Cancer Syndrome; Hereditary neoplastic syndrome. Identifiers: Orphanet 140162, MedGen C0027672, MeSH D009386, MONDO:0015356.

Allele frequency attached by ClinVar (database versions not stated): gnomAD exomes below 0.00001; TOPMed below 0.00001.
gnomAD v4.1: 2 of 1,614,132 alleles (0.00012%); highest among the groups gnomAD compares: Non-Finnish European, 0.000085%; no homozygotes.

Submissions (3):

Quest Diagnostics Nichols Institute San Juan Capistrano
Classification: Uncertain significance. Last evaluated: 2024-06-25. Review status: criteria provided, single submitter. Criteria: Quest Diagnostics criteria. Collection method: clinical testing. Allele origin: unknown.
Comment: The DICER1 c.3364T>C (p.Cys1122Arg) variant has not been reported in individuals with DICER1-related conditions in the published literature. It also has not been reported in large, multi-ethnic general populations (Genome Aggregation Database). Analysis of this variant using bioinformatics tools for the prediction of the effect of amino acid changes on protein structure and function yielded predictions that this variant is benign. Based on the available information, we are unable to determine the clinical significance of this variant.

Ambry Genetics
Classification: Uncertain significance for Hereditary cancer-predisposing syndrome. Last evaluated: 2023-12-12. Review status: criteria provided, single submitter. Criteria: Ambry Variant Classification Scheme 2023. Collection method: clinical testing. Allele origin: germline.
Comment: The p.C1122R variant (also known as c.3364T>C), located in coding exon 20 of the DICER1 gene, results from a T to C substitution at nucleotide position 3364. The cysteine at codon 1122 is replaced by arginine, an amino acid with highly dissimilar properties. This amino acid position is highly conserved in available vertebrate species. In addition, this alteration is predicted to be deleterious by in silico analysis. Since supporting evidence is limited at this time, the clinical significance of this alteration remains unclear.

Labcorp Genetics (formerly Invitae), Labcorp
Classification: Uncertain significance for DICER1-related tumor predisposition. Last evaluated: 2023-07-17. Review status: criteria provided, single submitter. Criteria: Invitae Variant Classification Sherloc (09022015). Collection method: clinical testing. Allele origin: germline.
Comment: This variant has not been reported in the literature in individuals affected with DICER1-related conditions. ClinVar contains an entry for this variant (Variation ID: 477137). Advanced modeling of protein sequence and biophysical properties (such as structural, functional, and spatial information, amino acid conservation, physicochemical variation, residue mobility, and thermodynamic stability) performed at Invitae indicates that this missense variant is not expected to disrupt DICER1 protein function. In summary, the available evidence is currently insufficient to determine the role of this variant in disease. Therefore, it has been classified as a Variant of Uncertain Significance. This variant is not present in population databases (gnomAD no frequency). This sequence change replaces cysteine, which is neutral and slightly polar, with arginine, which is basic and polar, at codon 1122 of the DICER1 protein (p.Cys1122Arg).